The following is an entry in ClinVar:

ClinVar aggregate classification (germline): Uncertain significance (1 of 4 stars; one submission).

Conditions:
Arthrogryposis multiplex congenita 3, myogenic type. Also called: ARTHROGRYPOSIS MULTIPLEX CONGENITA, MYOGENIC TYPE. Identifiers: MedGen C5193121, MONDO:0032778, OMIM 618484.

Allele frequency attached by ClinVar (database versions not stated): ExAC 0.00001.
gnomAD v4.1: 1 of 1,614,116 alleles (0.000062%); highest among the groups gnomAD compares: South Asian, 0.0011%; no homozygotes.

Submission:

Neuberg Centre For Genomic Medicine, NCGM
Classification: Uncertain significance for Arthrogryposis multiplex congenita 3, myogenic type. Review status: criteria provided, single submitter. Criteria: ACMG Guidelines, 2015. Collection method: clinical testing. Allele origin: germline. Inheritance: Autosomal recessive inheritance. Affected: yes.
Comment: The missense variant in c.4003A>G(p.Ile1335Val) in SYNE1 gene has not been reported previously as a pathogenic variant nor as a benign variant, to our knowledge. The p.Ile1335Val variant is novel (not in any individuals) in 1000 Genomes and has allele frequency of 0.0004% in gnomAD database. This variant has not been reported to the ClinVar database. The amino acid change p.Ile1335Val in SYNE1 is predicted as conserved by GERP++ and PhyloP across 100 vertebrates. The amino acid Ile at position 1335 is changed to a Val changing protein sequence and it might alter its composition and physico-chemical properties. For these reasons, this variant has been classified as Uncertain Significance (VUS).

NM_182961.4(SYNE1):c.4003A>G (p.Ile1335Val)

Gene: SYNE1 (spectrin repeat containing nuclear envelope protein 1; minus strand). Cytogenetic location: 6q25.2.
Variant type: single nucleotide variant.
Coding change: c.4003A>G on transcript NM_182961.4 (MANE Select); coding-DNA position 4003, A replaced by G.
Protein change: p.Ile1335Val; replaces isoleucine 1335 with valine.
Molecular consequence: missense variant.
Genome position (GRCh38, 1-based): chr6:152,442,080, T>C on the plus strand (A>G on the coding strand, the complement: SYNE1 is on the minus strand). VCF-style: chr6-152442080-T-C. GRCh37 (hg19) VCF-style: chr6-152763215-T-C.
Other names: c.4024A>G, p.Ile1342Val (NM_033071.5); short protein forms I1335V, I1342V.
Identifiers: ClinVar variation 2585100 (VCV002585100.1), dbSNP rs756229240, ClinGen allele CA4058683.